The following is an entry in ClinVar:

ClinVar aggregate classification (germline): Uncertain significance (1 of 4 stars; one submission).

Conditions:
Hereditary cancer-predisposing syndrome. Also called: Hereditary Cancer Syndrome; Neoplastic Syndromes, Hereditary; Tumor predisposition; Hereditary neoplastic syndrome. Identifiers: Orphanet 140162, MedGen C0027672, MeSH D009386, MONDO:0015356.

Allele frequency attached by ClinVar (database versions not stated): ExAC 0.00001.
gnomAD v4.1: 1 of 1,612,654 alleles (0.000062%); highest among the groups gnomAD compares: South Asian, 0.0011%; no homozygotes.

Submission:

Ambry Genetics
Classification: Uncertain significance for Hereditary cancer-predisposing syndrome. Last evaluated: 2024-03-27. Review status: criteria provided, single submitter. Criteria: Ambry Variant Classification Scheme 2023. Collection method: clinical testing. Allele origin: germline.
Comment: The p.G176E variant (also known as c.527G>A), located in coding exon 4 of the POT1 gene, results from a G to A substitution at nucleotide position 527. The glycine at codon 176 is replaced by glutamic acid, an amino acid with similar properties. This amino acid position is well conserved in available vertebrate species. In addition, this alteration is predicted to be tolerated by in silico analysis. Since supporting evidence is limited at this time, the clinical significance of this alteration remains unclear.

NM_015450.3(POT1):c.527G>A (p.Gly176Glu)

Gene: POT1 (protection of telomeres 1; minus strand). Cytogenetic location: 7q31.33.
Variant type: single nucleotide variant.
Coding change: c.527G>A on transcript NM_015450.3 (MANE Select); coding-DNA position 527, G replaced by A.
Protein change: p.Gly176Glu; replaces glycine 176 with glutamic acid.
Molecular consequence: missense variant. On other transcripts: non-coding transcript variant (3).
Genome position (GRCh38, 1-based): chr7:124,863,369, C>T on the plus strand (G>A on the coding strand, the complement: POT1 is on the minus strand). VCF-style: chr7-124863369-C-T. GRCh37 (hg19) VCF-style: chr7-124503423-C-T.
Other names: c.134G>A, p.Gly45Glu (NM_001042594.2); short protein forms G176E, G45E.
Identifiers: ClinVar variation 1746552 (VCV001746552.3), dbSNP rs768469999, ClinGen allele CA4465441.